The following is an entry in ClinVar:

ClinVar aggregate classification (germline): Likely benign. Review status: criteria provided, single submitter (1 of 4 stars). 2 submissions from 2 submitters: Likely benign (1). 1 of the submissions does not count toward it. Last evaluated 2023-07-03.

Conditions:
Nephronophthisis. Also called: Juvenile Nephronophthisis. Identifiers: Orphanet 655, MedGen C0687120, MONDO:0019005, HP:0000090.
NPHP4-related disorder. Also called: NPHP4-related disorders; NPHP4-related condition. Identifiers: MedGen CN239384.

Submissions (2):

Labcorp Genetics (formerly Invitae), Labcorp
Classification: Likely benign for Nephronophthisis. Last evaluated: 2023-07-03. Review status: criteria provided, single submitter. Criteria: Invitae Variant Classification Sherloc (09022015). Collection method: clinical testing. Allele origin: germline.

PreventionGenetics, part of Exact Sciences
Classification: Likely benign for NPHP4-related condition. Last evaluated: 2024-03-19. Review status: no assertion criteria provided. Collection method: clinical testing. Allele origin: germline. Not counted in ClinVar's aggregate classification.
Comment: This variant is classified as likely benign based on ACMG/AMP sequence variant interpretation guidelines (Richards et al. 2015 PMID: 25741868, with internal and published modifications).

NM_015102.5(NPHP4):c.3559-4G>T

Gene: NPHP4 (nephrocystin 4; minus strand). Cytogenetic location: 1p36.31.
Variant type: single nucleotide variant.
Coding change: c.3559-4G>T on transcript NM_015102.5 (MANE Select); 4 bases into the intron before coding-DNA position 3559, G replaced by T.
Molecular consequence: intron variant.
Genome position (GRCh38, 1-based): chr1:5,866,462, C>A on the plus strand (G>T on the coding strand, the complement: NPHP4 is on the minus strand). VCF-style: chr1-5866462-C-A. GRCh37 (hg19) VCF-style: chr1-5926522-C-A.
Other names: c.2023-4G>T (NM_001291594.2); c.2020-4G>T (NM_001291593.2); c.3559-4G>T (NM_015102.4).
Identifiers: ClinVar variation 1549258 (VCV001549258.9), dbSNP rs2100437350, ClinGen allele CA2573132192.